The following is an entry in ClinVar:

NM_206933.4(USH2A):c.6119G>C (p.Cys2040Ser)

Gene: USH2A (usherin; minus strand). Cytogenetic location: 1q41.
Variant type: single nucleotide variant.
Coding change: c.6119G>C on transcript NM_206933.4 (MANE Select); coding-DNA position 6119, G replaced by C.
Protein change: p.Cys2040Ser; replaces cysteine 2040 with serine.
Molecular consequence: missense variant.
Genome position (GRCh38, 1-based): chr1:216,048,578, C>G on the plus strand (G>C on the coding strand, the complement: USH2A is on the minus strand). VCF-style: chr1-216048578-C-G. GRCh37 (hg19) VCF-style: chr1-216221920-C-G.
Other names: short protein forms C2040S.
Identifiers: ClinVar variation 972228 (VCV000972228.8), dbSNP rs748371326, ClinGen allele CA1395231.

ClinVar aggregate classification (germline): Uncertain significance. Review status: criteria provided, multiple submitters, no conflicts (2 of 4 stars). 3 submissions from 3 submitters: Uncertain significance (2). 1 of the submissions does not count toward it. Last evaluated 2025-12-15.

Conditions:
Inborn genetic diseases. Identifiers: MedGen C0950123, MeSH D030342.
Usher syndrome type 2A. Also called: RETINAL DISEASE IN USHER SYNDROME TYPE IIA, MODIFIER OF; USHER SYNDROME, TYPE IIA. Identifiers: Orphanet 231178, Orphanet 886, MedGen C1848634, MONDO:0010169, OMIM 276901.

Allele frequency attached by ClinVar (database versions not stated): ExAC 0.00001; gnomAD 0.00001; TOPMed 0.00001; gnomAD exomes 0.00002.
gnomAD v4.1: 6 of 1,613,976 alleles (0.00037%); highest among the groups gnomAD compares: Admixed American, 0.01%; no homozygotes.

Submissions (3):

Ambry Genetics
Classification: Uncertain significance for Inborn genetic diseases. Last evaluated: 2025-12-15. Review status: criteria provided, single submitter. Criteria: Ambry Variant Classification Scheme 2023. Collection method: clinical testing. Allele origin: germline.

Labcorp Genetics (formerly Invitae), Labcorp
Classification: Uncertain significance. Last evaluated: 2022-08-16. Review status: criteria provided, single submitter. Criteria: Invitae Variant Classification Sherloc (09022015). Collection method: clinical testing. Allele origin: germline.
Comment: This sequence change replaces cysteine, which is neutral and slightly polar, with serine, which is neutral and polar, at codon 2040 of the USH2A protein (p.Cys2040Ser). This variant is present in population databases (rs748371326, gnomAD 0.01%). This variant has not been reported in the literature in individuals affected with USH2A-related conditions. ClinVar contains an entry for this variant (Variation ID: 972228). Algorithms developed to predict the effect of missense changes on protein structure and function (SIFT, PolyPhen-2, Align-GVGD) all suggest that this variant is likely to be disruptive. In summary, the available evidence is currently insufficient to determine the role of this variant in disease. Therefore, it has been classified as a Variant of Uncertain Significance.

Natera, Inc.
Classification: Uncertain significance for Usher syndrome type 2A. Last evaluated: 2020-06-08. Review status: no assertion criteria provided. Collection method: clinical testing. Allele origin: germline. Not counted in ClinVar's aggregate classification.